The following is an entry in ClinVar:

ClinVar aggregate classification (germline): Uncertain significance (1 of 4 stars; one submission).

Submission:

Labcorp Genetics (formerly Invitae), Labcorp
Classification: Uncertain significance. Last evaluated: 2020-07-20. Review status: criteria provided, single submitter. Criteria: Invitae Variant Classification Sherloc (09022015). Collection method: clinical testing. Allele origin: germline.
Comment: In summary, the available evidence is currently insufficient to determine the role of this variant in disease. Therefore, it has been classified as a Variant of Uncertain Significance. Experimental studies and prediction algorithms are not available or were not evaluated, and the functional significance of this variant is currently unknown. This variant has not been reported in the literature in individuals with KIZ-related conditions. This variant is not present in population databases (ExAC no frequency). This sequence change replaces asparagine with serine at codon 286 of the KIZ protein (p.Asn286Ser). The asparagine residue is moderately conserved and there is a small physicochemical difference between asparagine and serine.

NM_018474.6(KIZ):c.857A>G (p.Asn286Ser)

Gene: KIZ (kizuna centrosomal protein; plus strand). Cytogenetic location: 20p11.23.
Variant type: single nucleotide variant.
Coding change: c.857A>G on transcript NM_018474.6 (MANE Select); coding-DNA position 857, A replaced by G.
Protein change: p.Asn286Ser; replaces asparagine 286 with serine.
Molecular consequence: missense variant.
Genome position (GRCh38, 1-based): chr20:21,162,322, A>G. VCF-style: chr20-21162322-A-G. GRCh37 (hg19) VCF-style: chr20-21142963-A-G.
Other names: c.548A>G, p.Asn183Ser (NM_001163022.3, NM_001352435.2); c.458A>G, p.Asn153Ser (NM_001163023.3); c.710A>G, p.Asn237Ser (NM_001276389.2); c.857A>G, p.Asn286Ser (NM_001352434.2); c.515A>G, p.Asn172Ser (NM_001352436.2); short protein forms N183S, N286S, N153S, N172S, N237S.
Identifiers: ClinVar variation 1042461 (VCV001042461.7), dbSNP rs2033709418, ClinGen allele CA408492883.